The following is an entry in ClinVar:

NM_001013838.3(CARMIL2):c.2184+5A>G

Gene: CARMIL2 (capping protein regulator and myosin 1 linker 2; plus strand). Cytogenetic location: 16q22.1.
Variant type: single nucleotide variant.
Coding change: c.2184+5A>G on transcript NM_001013838.3 (MANE Select); 5 bases into the intron after coding-DNA position 2184, A replaced by G.
Molecular consequence: intron variant.
Genome position (GRCh38, 1-based): chr16:67,650,155, A>G. VCF-style: chr16-67650155-A-G. GRCh37 (hg19) VCF-style: chr16-67684058-A-G.
Other names: c.2076+5A>G (NM_001317026.3); c.2184+5A>G (NM_001013838.1).
Identifiers: ClinVar variation 1593959 (VCV001593959.11), dbSNP rs147564845, ClinGen allele CA8113700.

ClinVar aggregate classification (germline): Likely benign. Review status: criteria provided, multiple submitters, no conflicts (2 of 4 stars). 3 submissions from 3 submitters: Likely benign (2). 1 of the submissions does not count toward it. Last evaluated 2026-07-01.

Conditions:
CARMIL2-related disorder. Also called: CARMIL2-related condition.

Allele frequency attached by ClinVar (database versions not stated): gnomAD 0.00061 and 0.00063; ESP Exome Variant Server 0.00064; TOPMed 0.00064; 1000 Genomes Project 0.00200; 1000 Genomes Project 30x 0.00219; gnomAD exomes 0.00006 and 0.00013; ExAC 0.00026.
gnomAD v4.1: 179 of 1,608,138 alleles (0.011%); highest among the groups gnomAD compares: African/African-American, 0.22%; no homozygotes.

Submissions (3):

CeGaT Center for Human Genetics Tuebingen
Classification: Likely benign. Last evaluated: 2026-07-01. Review status: criteria provided, single submitter. Criteria: CeGaT Center For Human Genetics Tuebingen Variant Classification Criteria Version 2. Collection method: clinical testing. Allele origin: germline. Affected: yes. Observed: 1 variant allele.
Comment: CARMIL2: BP4

Labcorp Genetics (formerly Invitae), Labcorp
Classification: Likely benign. Last evaluated: 2026-01-12. Review status: criteria provided, single submitter. Criteria: Invitae Variant Classification Sherloc (09022015). Collection method: clinical testing. Allele origin: germline.

PreventionGenetics, part of Exact Sciences
Classification: Likely benign for CARMIL2-related condition. Last evaluated: 2019-08-23. Review status: no assertion criteria provided. Collection method: clinical testing. Allele origin: germline. Not counted in ClinVar's aggregate classification.
Comment: This variant is classified as likely benign based on ACMG/AMP sequence variant interpretation guidelines (Richards et al. 2015 PMID: 25741868, with internal and published modifications).